The following is an entry in ClinVar:

ClinVar aggregate classification (germline): Uncertain significance (1 of 4 stars; one submission).

Conditions:
Symmetrical dyschromatosis of extremities (DSH). Also called: RETICULATE ACROPIGMENTATION OF DOHI; SYMMETRIC DYSCHROMATOSIS OF THE EXTREMITIES; Dyschromatosis symmetrica hereditaria; DYSCHROMATOSIS SYMMETRICA HEREDITARIA 1. Identifiers: Orphanet 41, MedGen C0406775, MONDO:0007483, OMIM 127400.
Aicardi-Goutieres syndrome 6 (AGS6). Identifiers: Orphanet 51, MedGen C3539013, MONDO:0014007, OMIM 615010.

Submission:

Labcorp Genetics (formerly Invitae), Labcorp
Classification: Uncertain significance for Aicardi-Goutieres syndrome 6; Symmetrical dyschromatosis of extremities. Last evaluated: 2024-03-24. Review status: criteria provided, single submitter. Criteria: Invitae Variant Classification Sherloc (09022015). Collection method: clinical testing. Allele origin: germline.
Comment: This sequence change replaces asparagine, which is neutral and polar, with lysine, which is basic and polar, at codon 233 of the ADAR protein (p.Asn233Lys). This variant is not present in population databases (gnomAD no frequency). This variant has not been reported in the literature in individuals affected with ADAR-related conditions. Experimental studies and prediction algorithms are not available or were not evaluated, and the functional significance of this variant is currently unknown. In summary, the available evidence is currently insufficient to determine the role of this variant in disease. Therefore, it has been classified as a Variant of Uncertain Significance.

NM_001111.5(ADAR):c.699C>G (p.Asn233Lys)

Gene: ADAR (adenosine deaminase RNA specific; minus strand). Cytogenetic location: 1q21.3.
Variant type: single nucleotide variant.
Coding change: c.699C>G on transcript NM_001111.5 (MANE Select); coding-DNA position 699, C replaced by G.
Protein change: p.Asn233Lys; replaces asparagine 233 with lysine.
Molecular consequence: missense variant. On other transcripts: 5 prime UTR variant (6).
Genome position (GRCh38, 1-based): chr1:154,601,943, G>C on the plus strand (C>G on the coding strand, the complement: ADAR is on the minus strand). VCF-style: chr1-154601943-G-C. GRCh37 (hg19) VCF-style: chr1-154574419-G-C.
Other names: c.-187C>G (NM_001025107.3, NM_001193495.2, NM_001365046.1 and 3 more transcripts); c.726C>G, p.Asn242Lys (NM_001365045.1); c.699C>G, p.Asn233Lys (NM_015840.4, NM_015841.4); short protein forms N233K, N242K.
Identifiers: ClinVar variation 3755493 (VCV003755493.2).
Genomic context (GRCh38, chr1:154,601,943, plus strand): 5'-CCAAGCCTGAGCTGAGACTGCAATAAAAGGCTCAAGAAGATCTTCTGAGACAGATGTGGA[G>C]TTTCTGTCTTCCGGTTCCAAACTCGGGTCTGAGTTTGGGGCTCCTTGGCTATGACCGTCT-3'
Protein context (NP_001102.3, residues 223-243): SDPSLEPEDR[Asn233Lys]STSVSEDLLE